The following is an entry in ClinVar:

NM_000548.5(TSC2):c.1946+7G>C

Gene: TSC2 (TSC complex subunit 2; plus strand). Cytogenetic location: 16p13.3.
Variant type: single nucleotide variant.
Coding change: c.1946+7G>C on transcript NM_000548.5 (MANE Select); 7 bases into the intron after coding-DNA position 1946, G replaced by C.
Molecular consequence: intron variant.
Genome position (GRCh38, 1-based): chr16:2,071,623, G>C. VCF-style: chr16-2071623-G-C. GRCh37 (hg19) VCF-style: chr16-2121624-G-C.
Other names: c.1946+7G>C (NM_001114382.3, NM_021055.3, NM_001370405.1 and 3 more transcripts); c.1835+7G>C (NM_001318827.2); c.1346+7G>C (NM_001318831.2); c.1799+7G>C (NM_001318829.2); c.1979+7G>C (NM_001318832.2).
Identifiers: ClinVar variation 703783 (VCV000703783.11), dbSNP rs759576009, ClinGen allele CA276737428.
Genomic context (GRCh38, chr16:2,071,623, plus strand): 5'-GCCCAACAAGGATGGAGTCGTGCGGTTCAGCCCCTACTGCGTCTGCGACTACATGTACGC[G>C]GGACCTCGCCCACGGCCCATGAGGCTCAGGGCGTCAGAGGCGCTGGGGCTGTGGTGGCGC-3'

ClinVar aggregate classification (germline): Likely benign. Review status: criteria provided, multiple submitters, no conflicts (2 of 4 stars). 2 submissions from 2 submitters: Likely benign (2). Last evaluated 2026-01-10.

Conditions:
Tuberous sclerosis 2 (TSC2). Identifiers: Orphanet 805, MedGen C1860707, MONDO:0013199, OMIM 613254.

Allele frequency attached by ClinVar (database versions not stated): TOPMed 0.00002.
gnomAD v4.1: 11 of 1,613,124 alleles (0.00068%); highest among the groups gnomAD compares: Non-Finnish European, 0.00093%; no homozygotes.

Submissions (2):

Labcorp Genetics (formerly Invitae), Labcorp
Classification: Likely benign for Tuberous sclerosis 2. Last evaluated: 2026-01-10. Review status: criteria provided, single submitter. Criteria: Invitae Variant Classification Sherloc (09022015). Collection method: clinical testing. Allele origin: germline.

Myriad Genetics, Inc.
Classification: Likely benign for Tuberous sclerosis 2. Last evaluated: 2025-05-16. Review status: criteria provided, single submitter. Criteria: Myriad Autosomal Dominant, Autosomal Recessive and X-Linked Classification Criteria (2023). Collection method: clinical testing. Allele origin: unknown.
Comment: This variant is considered likely benign. This variant is intronic and is not expected to impact mRNA splicing.